The following is an entry in ClinVar:

NM_018192.4(P3H2):c.406C>T (p.Arg136Cys)

Gene: P3H2 (prolyl 3-hydroxylase 2; minus strand). Cytogenetic location: 3q28.
Variant type: single nucleotide variant.
Coding change: c.406C>T on transcript NM_018192.4 (MANE Select); coding-DNA position 406, C replaced by T.
Protein change: p.Arg136Cys; replaces arginine 136 with cysteine.
Molecular consequence: missense variant. On other transcripts: intron variant (1).
Genome position (GRCh38, 1-based): chr3:190,120,326, G>A on the plus strand (C>T on the coding strand, the complement: P3H2 is on the minus strand). VCF-style: chr3-190120326-G-A. GRCh37 (hg19) VCF-style: chr3-189838115-G-A.
Other names: c.-64+1877C>T (NM_001134418.2); short protein forms R136C.
Identifiers: ClinVar variation 1915174 (VCV001915174.2), dbSNP rs1447798311, ClinGen allele CA355859549.

ClinVar aggregate classification (germline): Uncertain significance (1 of 4 stars; one submission).

gnomAD v4.1: 3 of 1,602,356 alleles (0.00019%); highest among the groups gnomAD compares: Admixed American, 0.0017%; no homozygotes.

Submission:

Labcorp Genetics (formerly Invitae), Labcorp
Classification: Uncertain significance. Last evaluated: 2022-03-26. Review status: criteria provided, single submitter. Criteria: Invitae Variant Classification Sherloc (09022015). Collection method: clinical testing. Allele origin: germline.
Comment: This sequence change replaces arginine, which is basic and polar, with cysteine, which is neutral and slightly polar, at codon 136 of the P3H2 protein (p.Arg136Cys). This variant is not present in population databases (gnomAD no frequency). This variant has not been reported in the literature in individuals affected with P3H2-related conditions. Algorithms developed to predict the effect of missense changes on protein structure and function are either unavailable or do not agree on the potential impact of this missense change (SIFT: "Deleterious"; PolyPhen-2: "Possibly Damaging"; Align-GVGD: "Class C0"). In summary, the available evidence is currently insufficient to determine the role of this variant in disease. Therefore, it has been classified as a Variant of Uncertain Significance.